The following is an entry in ClinVar:

ClinVar aggregate classification (germline): Likely pathogenic (1 of 4 stars; one submission).

Conditions:
Autosomal recessive limb-girdle muscular dystrophy type 2J (LGMDR10). Also called: Limb-girdle muscular dystrophy, type 2J; MUSCULAR DYSTROPHY, LIMB-GIRDLE, AUTOSOMAL RECESSIVE 10. Identifiers: Orphanet 140922, MedGen C1837342, MONDO:0012127, OMIM 608807.
Dilated cardiomyopathy 1G (CMD1G). Identifiers: Orphanet 154, MedGen C1858763, MONDO:0011400, OMIM 604145.

Submission:

Labcorp Genetics (formerly Invitae), Labcorp
Classification: Likely pathogenic for Dilated cardiomyopathy 1G; Autosomal recessive limb-girdle muscular dystrophy type 2J. Last evaluated: 2025-11-17. Review status: criteria provided, single submitter. Criteria: Invitae Variant Classification Sherloc (09022015). Collection method: clinical testing. Allele origin: germline.
Comment: This sequence change creates a premature translational stop signal (p.Ile17986Asnfs*12) in the TTN gene. While this is not anticipated to result in nonsense mediated decay, it is expected to create a truncated TTN protein. This variant is not present in population databases (gnomAD no frequency). This variant has not been reported in the literature in individuals affected with TTN-related conditions. This variant is located in the A band of TTN (PMID: 25589632). Truncating variants in this region are significantly overrepresented in patients affected with dilated cardiomyopathy (PMID: 25589632). Truncating variants in this region have also been reported in individuals affected with autosomal recessive centronuclear myopathy (PMID: 23975875). In summary, the currently available evidence indicates that the variant is pathogenic, but additional data are needed to prove that conclusively. Therefore, this variant has been classified as Likely Pathogenic.

Literature cited by the submitters: PubMed 25589632; PubMed 23975875.

NM_001267550.2(TTN):c.53956dup (p.Ile17986fs)

Genes: TTN (titin; minus strand), TTN-AS1 (TTN antisense RNA 1; plus strand). Cytogenetic location: 2q31.2.
Variant type: Duplication.
Coding change: c.53956dup on transcript NM_001267550.2 (MANE Select); coding-DNA position 53956, one base duplicated (A; older notation c.53956dupA).
Protein change: p.Ile17986fs; shifts the reading frame from isoleucine 17986.
Molecular consequence: frameshift variant. On other transcripts: non-coding transcript variant (1).
Genome position (GRCh38, 1-based): chr2:178,605,221, T duplicated on the plus strand (A on the coding strand, the reverse complement: TTN is on the minus strand). VCF-style (leftmost placement, unchanged base first): chr2-178605220-A-AT. GRCh37 (hg19) VCF-style: chr2-179469947-A-AT.
Other names: c.49033dup, p.Ile16345fs (NM_001256850.1); c.26761dup, p.Ile8921fs (NM_003319.4); c.46252dup, p.Ile15418fs (NM_133378.4); c.27136dup, p.Ile9046fs (NM_133432.3); c.27337dup, p.Ile9113fs (NM_133437.4); short protein forms I16345fs, I8921fs, I9046fs, I15418fs, I9113fs, I17986fs.
Identifiers: ClinVar variation 4786721 (VCV004786721.1).